The following is an entry in ClinVar:

NM_018475.5(TMEM165):c.54G>A (p.Leu18=)

Genes: TMEM165 (transmembrane protein 165; plus strand), LOC129992613 (ATAC-STARR-seq lymphoblastoid silent region 15439; plus strand). Cytogenetic location: 4q12.
Variant type: single nucleotide variant.
Coding change: c.54G>A on transcript NM_018475.5 (MANE Select); coding-DNA position 54, G replaced by A.
Protein change: p.Leu18=; no amino-acid change (leucine 18 retained).
Molecular consequence: synonymous variant. On other transcripts: non-coding transcript variant (1).
Genome position (GRCh38, 1-based): chr4:55,396,243, G>A. VCF-style: chr4-55396243-G-A. GRCh37 (hg19) VCF-style: chr4-56262410-G-A.
Identifiers: ClinVar variation 682139 (VCV000682139.9), dbSNP rs376472202, ClinGen allele CA2925440.
Genomic context (GRCh38, chr4:55,396,243, plus strand): 5'-AGGCGGGATGGCGGCCGCGGCTCCAGGGAACGGCCGCGCATCGGCGCCCCGGCTGCTTCT[G>A]CTCTTTCTGGTTCCGCTGCTGTGGGCCCCGGCTGCGGTCCGGGCCGGCCCAGATGAAGAC-3'
Protein context (NP_060945.2, residues 8-28): NGRASAPRLL[Leu18=]LFLVPLLWAP

ClinVar aggregate classification (germline): Likely benign. Review status: criteria provided, multiple submitters, no conflicts (2 of 4 stars). 2 submissions from 2 submitters: Likely benign (2). Last evaluated 2025-12-10.

Conditions:
TMEM165-congenital disorder of glycosylation. Also called: CDG IIk; TMEM165-CDG; Congenital disorder of glycosylation type 2k. Identifiers: Orphanet 314667, MedGen C3553571, MONDO:0013870, OMIM 614727.

Allele frequency attached by ClinVar (database versions not stated): 1000 Genomes Project 30x 0.00016; TOPMed 0.00016; ESP Exome Variant Server 0.00019; gnomAD 0.00021.
gnomAD v4.1: 49 of 1,500,842 alleles (0.0033%); highest among the groups gnomAD compares: African/African-American, 0.069%; no homozygotes.

Submissions (2):

Labcorp Genetics (formerly Invitae), Labcorp
Classification: Likely benign for TMEM165-congenital disorder of glycosylation. Last evaluated: 2025-12-10. Review status: criteria provided, single submitter. Criteria: Invitae Variant Classification Sherloc (09022015). Collection method: clinical testing. Allele origin: germline.

GeneDx
Classification: Likely benign. Last evaluated: 2018-05-01. Review status: criteria provided, single submitter. Criteria: GeneDx Variant Classification (06012015). Collection method: clinical testing. Allele origin: germline. Affected: yes.
Comment: This variant is considered likely benign or benign based on one or more of the following criteria: it is a conservative change, it occurs at a poorly conserved position in the protein, it is predicted to be benign by multiple in silico algorithms, and/or has population frequency not consistent with disease.